The following is an entry in ClinVar:

NM_020919.4(ALS2):c.4541A>T (p.Gln1514Leu)

Gene: ALS2 (alsin Rho guanine nucleotide exchange factor ALS2; minus strand). Cytogenetic location: 2q33.1.
Variant type: single nucleotide variant.
Coding change: c.4541A>T on transcript NM_020919.4 (MANE Select); coding-DNA position 4541, A replaced by T.
Protein change: p.Gln1514Leu; replaces glutamine 1514 with leucine.
Molecular consequence: missense variant.
Genome position (GRCh38, 1-based): chr2:201,706,885, T>A on the plus strand (A>T on the coding strand, the complement: ALS2 is on the minus strand). VCF-style: chr2-201706885-T-A. GRCh37 (hg19) VCF-style: chr2-202571608-T-A.
Other names: p.Gln1514Leu; c.4538A>T, p.Gln1513Leu (NM_001410975.1); short protein forms Q1513L, Q1514L.
Identifiers: ClinVar variation 4540794 (VCV004540794.1).
Genomic context (GRCh38, chr2:201,706,885, plus strand): 5'-GCTTGTAACTACTACACTTACCTCTGCACCCCAAGAAAGCCCAGGAGAGCAATATCTGGC[T>A]GCTTATTTAGTCGAAGGACACATTCCCAGTAAATGTCTTCCTCGCGATCATTATCCAAAG-3'
Protein context (NP_065970.2, residues 1504-1524): YWECVLRLNK[Gln1514Leu]PDIALLGFLG

ClinVar aggregate classification (germline): Uncertain significance (1 of 4 stars; one submission).

Submission:

Mayo Clinic Laboratories, Mayo Clinic
Classification: Uncertain significance. Last evaluated: 2025-09-11. Review status: criteria provided, single submitter. Criteria: ACMG Guidelines, 2015. Collection method: clinical testing. Allele origin: germline. Observed: 1 variant allele.
Comment: BP4_moderate, PM2_supporting